The following is an entry in ClinVar:

NM_000038.6(APC):c.4465T>C (p.Leu1489=)

Gene: APC (APC regulator of Wnt signaling pathway; plus strand). Cytogenetic location: 5q22.2.
Variant type: single nucleotide variant.
Coding change: c.4465T>C on transcript NM_000038.6 (MANE Select); coding-DNA position 4465, T replaced by C.
Protein change: p.Leu1489=; no amino-acid change (leucine 1489 retained).
Molecular consequence: synonymous variant.
Genome position (GRCh38, 1-based): chr5:112,840,059, T>C. VCF-style: chr5-112840059-T-C. GRCh37 (hg19) VCF-style: chr5-112175756-T-C.
Other names: c.4465T>C, p.Leu1489= (NM_001127510.3, NM_001354895.2); c.4411T>C, p.Leu1471= (NM_001127511.3); c.4519T>C, p.Leu1507= (NM_001354896.2); c.4495T>C, p.Leu1499= (NM_001354897.2); c.4390T>C, p.Leu1464= (NM_001354898.2); c.4381T>C, p.Leu1461= (NM_001354899.2); c.4342T>C, p.Leu1448= (NM_001354900.2); c.4288T>C, p.Leu1430= (NM_001354901.2); and 5 more.
Identifiers: ClinVar variation 482354 (VCV000482354.18), dbSNP rs1554085897, ClinGen allele CA446206506.

ClinVar aggregate classification (germline): Benign/Likely benign. Review status: criteria provided, multiple submitters, no conflicts (2 of 4 stars). 5 submissions from 5 submitters: Benign (1); Likely benign (4). Last evaluated 2025-12-22.

Conditions:
Hereditary cancer-predisposing syndrome. Also called: Neoplastic Syndromes, Hereditary; Tumor predisposition; Hereditary Cancer Syndrome; Hereditary neoplastic syndrome. Identifiers: Orphanet 140162, MedGen C0027672, MeSH D009386, MONDO:0015356.
Classic or attenuated familial adenomatous polyposis. Identifiers: MedGen CN372698, MONDO:0021057.
Familial adenomatous polyposis 1 (FAP1). Also called: FAMILIAL ADENOMATOUS POLYPOSIS 1, ATTENUATED; POLYPOSIS, ADENOMATOUS INTESTINAL. Identifiers: MedGen C2713442, MONDO:0021056, OMIM 175100. Disease mechanism: loss of function.

Allele frequency attached by ClinVar (database versions not stated): gnomAD exomes below 0.00001.
gnomAD v4.1: 2 of 1,614,114 alleles (0.00012%); highest among the groups gnomAD compares: Non-Finnish European, 0.00017%; no homozygotes.

Submissions (5):

Labcorp Genetics (formerly Invitae), Labcorp
Classification: Likely benign for Familial adenomatous polyposis 1. Last evaluated: 2025-12-22. Review status: criteria provided, single submitter. Criteria: Invitae Variant Classification Sherloc (09022015). Collection method: clinical testing. Allele origin: germline.

Myriad Genetics, Inc.
Classification: Benign for Familial adenomatous polyposis 1. Last evaluated: 2024-03-27. Review status: criteria provided, single submitter. Criteria: Myriad Autosomal Dominant, Autosomal Recessive and X-Linked Classification Criteria (2023). Collection method: clinical testing. Allele origin: unknown.
Comment: This variant is considered benign. This variant is a silent/synonymous amino acid change and it is not expected to impact splicing.

All of Us Research Program, National Institutes of Health
Classification: Likely benign for Classic or attenuated familial adenomatous polyposis. Last evaluated: 2023-09-17. Review status: criteria provided, single submitter. Criteria: ACMG Guidelines, 2015. Collection method: clinical testing. Allele origin: germline. Inheritance: Autosomal dominant inheritance. Observed: 1 variant allele, 1 heterozygote.
Comment: This study involves interpretation of variants in research participants for the purpose of population health screening. Participant phenotype was not available at the time of variant classification. Additional details can be found in publication PMID: 35346344, PMCID: PMC8962531

Color Diagnostics, LLC DBA Color Health
Classification: Likely benign for Hereditary cancer-predisposing syndrome. Last evaluated: 2019-11-25. Review status: criteria provided, single submitter. Criteria: ACMG Guidelines, 2015. Collection method: clinical testing. Allele origin: germline.

Ambry Genetics
Classification: Likely benign for Hereditary cancer-predisposing syndrome. Last evaluated: 2016-12-06. Review status: criteria provided, single submitter. Criteria: Ambry Variant Classification Scheme 2023. Collection method: clinical testing. Allele origin: germline.